The following is an entry in ClinVar:

NM_001164586.2(IGFN1):c.4821G>T (p.Gly1607=)

Gene: IGFN1 (immunoglobulin like and fibronectin type III domain containing 1; plus strand). Cytogenetic location: 1q32.1.
Variant type: single nucleotide variant.
Coding change: c.4821G>T on transcript NM_001164586.2 (MANE Select); coding-DNA position 4821, G replaced by T.
Protein change: p.Gly1607=; no amino-acid change (glycine 1607 retained).
Molecular consequence: synonymous variant. On other transcripts: intron variant (1).
Genome position (GRCh38, 1-based): chr1:201,209,714, G>T. VCF-style: chr1-201209714-G-T. GRCh37 (hg19) VCF-style: chr1-201178842-G-T.
Other names: c.1241+3580G>T (NM_001367841.1).
Identifiers: ClinVar variation 2639750 (VCV002639750.24), dbSNP rs753118048, ClinGen allele CA1322541.

ClinVar aggregate classification (germline): Likely benign (1 of 4 stars; one submission).

Allele frequency attached by ClinVar (database versions not stated): ExAC 0.00041.

Submission:

CeGaT Center for Human Genetics Tuebingen
Classification: Likely benign. Last evaluated: 2023-02-01. Review status: criteria provided, single submitter. Criteria: CeGaT Center For Human Genetics Tuebingen Variant Classification Criteria Version 2. Collection method: clinical testing. Allele origin: germline. Affected: yes. Observed: 1 variant allele.
Comment: IGFN1: BP4, BP7